The following is an entry in ClinVar:

NM_001371986.1(UNC80):c.974G>A (p.Arg325His)

Gene: UNC80 (unc-80 homolog, NALCN channel complex subunit; plus strand). Cytogenetic location: 2q34.
Variant type: single nucleotide variant.
Coding change: c.974G>A on transcript NM_001371986.1 (MANE Select); coding-DNA position 974, G replaced by A.
Protein change: p.Arg325His; replaces arginine 325 with histidine.
Molecular consequence: missense variant.
Genome position (GRCh38, 1-based): chr2:209,813,615, G>A. VCF-style: chr2-209813615-G-A. GRCh37 (hg19) VCF-style: chr2-210678339-G-A.
Other names: c.974G>A, p.Arg325His (NM_032504.2, NM_182587.4); short protein forms R325H.
Identifiers: ClinVar variation 3620827 (VCV003620827.1).

ClinVar aggregate classification (germline): Uncertain significance (1 of 4 stars; one submission).

gnomAD v4.1: 32 of 1,551,658 alleles (0.0021%); highest among the groups gnomAD compares: South Asian, 0.0095%; no homozygotes.

Submission:

Labcorp Genetics (formerly Invitae), Labcorp
Classification: Uncertain significance. Last evaluated: 2024-11-15. Review status: criteria provided, single submitter. Criteria: Invitae Variant Classification Sherloc (09022015). Collection method: clinical testing. Allele origin: germline.
Comment: This sequence change replaces arginine, which is basic and polar, with histidine, which is basic and polar, at codon 325 of the UNC80 protein (p.Arg325His). This variant is present in population databases (rs774275925, gnomAD 0.02%). This variant has not been reported in the literature in individuals affected with UNC80-related conditions. An algorithm developed to predict the effect of missense changes on protein structure and function (PolyPhen-2) suggests that this variant is likely to be disruptive. In summary, the available evidence is currently insufficient to determine the role of this variant in disease. Therefore, it has been classified as a Variant of Uncertain Significance.